The following is an entry in ClinVar:

NM_033380.3(COL4A5):c.2710C>T (p.Pro904Ser)

Gene: COL4A5 (collagen type IV alpha 5 chain; plus strand). Cytogenetic location: Xq22.3.
Variant type: single nucleotide variant.
Coding change: c.2710C>T on transcript NM_033380.3 (MANE Select); coding-DNA position 2710, C replaced by T.
Protein change: p.Pro904Ser; replaces proline 904 with serine.
Molecular consequence: missense variant.
Genome position (GRCh38, 1-based): chrX:108,621,835, C>T. VCF-style: chrX-108621835-C-T. GRCh37 (hg19) VCF-style: chrX-107865065-C-T.
Other names: c.2710C>T, p.Pro904Ser (NM_000495.5); short protein forms P904S.
Identifiers: ClinVar variation 3776564 (VCV003776564.1).

ClinVar aggregate classification (germline): Uncertain significance (1 of 4 stars; one submission).

gnomAD v4.1: 3 of 1,208,987 alleles (0.00025%); highest among the groups gnomAD compares: Non-Finnish European, 0.00034%; no homozygotes.

Submission:

GeneDx
Classification: Uncertain significance. Last evaluated: 2024-10-04. Review status: criteria provided, single submitter. Criteria: GeneDx Variant Classification Process June 2021. Collection method: clinical testing. Allele origin: germline. Affected: yes.
Comment: In silico analysis supports that this missense variant has a deleterious effect on protein structure/function; Occurs in the triple helical domain at the Y position in the canonical Gly-X-Y repeat; although this variant may have an effect on normal protein folding and function, missense substitution at the Y position is not a common mechanism of disease; Has not been previously published as pathogenic or benign to our knowledge